The following is an entry in ClinVar:

NM_001710.6(CFB):c.577C>T (p.Arg193Trp)

Gene: CFB (complement factor B; plus strand). Cytogenetic location: 6p21.33.
Variant type: single nucleotide variant.
Coding change: c.577C>T on transcript NM_001710.6 (MANE Select); coding-DNA position 577, C replaced by T.
Protein change: p.Arg193Trp; replaces arginine 193 with tryptophan.
Molecular consequence: missense variant.
Genome position (GRCh38, 1-based): chr6:31,947,440, C>T. VCF-style: chr6-31947440-C-T. GRCh37 (hg19) VCF-style: chr6-31915217-C-T.
Other names: short protein forms R193W.
Identifiers: ClinVar variation 3033059 (VCV003033059.4), dbSNP rs750908073, ClinGen allele CA3728076.

ClinVar aggregate classification (germline): Uncertain significance. Review status: criteria provided, single submitter (1 of 4 stars). 2 submissions from 2 submitters: Uncertain significance (1). 1 of the submissions does not count toward it. Last evaluated 2025-10-05.

Conditions:
CFB-related disorder. Also called: CFB-related disorders; CFB-related condition.

Allele frequency attached by ClinVar (database versions not stated): ExAC 0.00002; TOPMed 0.00003; gnomAD 0.00005.

Submissions (2):

Labcorp Genetics (formerly Invitae), Labcorp
Classification: Uncertain significance. Last evaluated: 2025-10-05. Review status: criteria provided, single submitter. Criteria: Invitae Variant Classification Sherloc (09022015). Collection method: clinical testing. Allele origin: germline.
Comment: This sequence change replaces arginine, which is basic and polar, with tryptophan, which is neutral and slightly polar, at codon 193 of the CFB protein (p.Arg193Trp). This variant is present in population databases (rs750908073, gnomAD 0.01%). This variant has not been reported in the literature in individuals affected with CFB-related conditions. ClinVar contains an entry for this variant (Variation ID: 3033059). Invitae Evidence Modeling of protein sequence and biophysical properties (such as structural, functional, and spatial information, amino acid conservation, physicochemical variation, residue mobility, and thermodynamic stability) has been performed for this missense variant. However, the output from this modeling did not meet the statistical confidence thresholds required to predict the impact of this variant on CFB protein function. In summary, the available evidence is currently insufficient to determine the role of this variant in disease. Therefore, it has been classified as a Variant of Uncertain Significance.

PreventionGenetics, part of Exact Sciences
Classification: Uncertain significance for CFB-related condition. Last evaluated: 2023-12-04. Review status: no assertion criteria provided. Collection method: clinical testing. Allele origin: germline. Not counted in ClinVar's aggregate classification.
Comment: The CFB c.577C>T variant is predicted to result in the amino acid substitution p.Arg193Trp. To our knowledge, this variant has not been reported in the literature. This variant is reported in 0.013% of alleles in individuals of African descent in gnomAD. At this time, the clinical significance of this variant is uncertain due to the absence of conclusive functional and genetic evidence.